The following is an entry in ClinVar:

ClinVar aggregate classification (germline): Uncertain significance (1 of 4 stars; one submission).

Conditions:
Hyper-IgM syndrome type 5 (HIGM5). Also called: Hyper-IgM Immunodeficiency Syndrome, Type 5. Identifiers: Orphanet 101092, MedGen C1720958, MONDO:0011971, OMIM 608106.

Allele frequency attached by ClinVar (database versions not stated): ExAC 0.00002; gnomAD exomes 0.00002; TOPMed 0.00002; gnomAD 0.00003; ESP Exome Variant Server 0.00008.
gnomAD v4.1: 38 of 1,612,270 alleles (0.0024%); highest among the groups gnomAD compares: Non-Finnish European, 0.0031%; no homozygotes.

Submission:

Labcorp Genetics (formerly Invitae), Labcorp
Classification: Uncertain significance for Hyper-IgM syndrome type 5. Last evaluated: 2022-06-20. Review status: criteria provided, single submitter. Criteria: Invitae Variant Classification Sherloc (09022015). Collection method: clinical testing. Allele origin: germline.
Comment: This sequence change replaces serine, which is neutral and polar, with phenylalanine, which is neutral and non-polar, at codon 63 of the UNG protein (p.Ser63Phe). This variant is present in population databases (rs140065688, gnomAD 0.005%). This variant has not been reported in the literature in individuals affected with UNG-related conditions. Algorithms developed to predict the effect of missense changes on protein structure and function are either unavailable or do not agree on the potential impact of this missense change (SIFT: "Deleterious"; PolyPhen-2: "Benign"; Align-GVGD: "Class C0"). In summary, the available evidence is currently insufficient to determine the role of this variant in disease. Therefore, it has been classified as a Variant of Uncertain Significance.

NM_080911.3(UNG):c.188C>T (p.Ser63Phe)

Gene: UNG (uracil DNA glycosylase; plus strand). Cytogenetic location: 12q24.11.
Variant type: single nucleotide variant.
Coding change: c.188C>T on transcript NM_080911.3 (MANE Select); coding-DNA position 188, C replaced by T.
Protein change: p.Ser63Phe; replaces serine 63 with phenylalanine.
Molecular consequence: missense variant.
Genome position (GRCh38, 1-based): chr12:109,098,487, C>T. VCF-style: chr12-109098487-C-T. GRCh37 (hg19) VCF-style: chr12-109536292-C-T.
Other names: c.161C>T, p.Ser54Phe (NM_003362.4); short protein forms S63F, S54F.
Identifiers: ClinVar variation 1373098 (VCV001373098.5), dbSNP rs140065688, ClinGen allele CA6772519.